The following is an entry in ClinVar:

ClinVar aggregate classification (germline): Conflicting classifications of pathogenicity. Review status: criteria provided, conflicting classifications (1 of 4 stars). 2 submissions from 2 submitters: Uncertain significance (1); Likely benign (1). Last evaluated 2026-02-16.

Conditions:
UNC45A-related disorder. Also called: UNC45A-related condition.

Allele frequency attached by ClinVar (database versions not stated): ExAC 0.00015; TOPMed 0.00045; 1000 Genomes Project 30x 0.00047; 1000 Genomes Project 0.00060; ESP Exome Variant Server 0.00078.
gnomAD v4.1: 152 of 1,603,838 alleles (0.0095%); highest among the groups gnomAD compares: African/African-American, 0.17%; no homozygotes.

Submissions (2):

PreventionGenetics, part of Exact Sciences
Classification: Likely benign for UNC45A-related condition. Last evaluated: 2026-02-16. Review status: criteria provided, single submitter. Criteria: ACMG Guidelines, 2015. Collection method: clinical testing. Allele origin: germline.
Comment: This variant is classified as likely benign based on ACMG/AMP sequence variant interpretation guidelines (Richards et al. 2015 PMID: 25741868, with internal and published modifications).

Labcorp Genetics (formerly Invitae), Labcorp
Classification: Uncertain significance. Last evaluated: 2024-10-21. Review status: criteria provided, single submitter. Criteria: Invitae Variant Classification Sherloc (09022015). Collection method: clinical testing. Allele origin: germline.
Comment: This sequence change replaces proline, which is neutral and non-polar, with leucine, which is neutral and non-polar, at codon 11 of the UNC45A protein (p.Pro11Leu). This variant is present in population databases (rs202031609, gnomAD 0.2%). This variant has not been reported in the literature in individuals affected with UNC45A-related conditions. ClinVar contains an entry for this variant (Variation ID: 1043563). Experimental studies and prediction algorithms are not available or were not evaluated, and the functional significance of this variant is currently unknown. In summary, the available evidence is currently insufficient to determine the role of this variant in disease. Therefore, it has been classified as a Variant of Uncertain Significance.

NM_018671.5(UNC45A):c.32C>T (p.Pro11Leu)

Genes: UNC45A (unc-45 myosin chaperone A; plus strand), LOC130057954 (ATAC-STARR-seq lymphoblastoid silent region 6833; plus strand). Cytogenetic location: 15q26.1.
Variant type: single nucleotide variant.
Coding change: c.32C>T on transcript NM_018671.5 (MANE Select); coding-DNA position 32, C replaced by T.
Protein change: p.Pro11Leu; replaces proline 11 with leucine.
Molecular consequence: missense variant. On other transcripts: 5 prime UTR variant (1), intron variant (2).
Genome position (GRCh38, 1-based): chr15:90,935,356, C>T. VCF-style: chr15-90935356-C-T. GRCh37 (hg19) VCF-style: chr15-91478586-C-T.
Other names: c.32C>T, p.Pro11Leu (NM_001323619.1); c.-552C>T (NM_001323620.2); c.6+26C>T (NM_001039675.2, NM_001323621.2); short protein forms P11L.
Identifiers: ClinVar variation 1043563 (VCV001043563.6), dbSNP rs202031609, ClinGen allele CA7742382.